The following is an entry in ClinVar:

ClinVar aggregate classification (germline): Conflicting classifications of pathogenicity. Review status: criteria provided, conflicting classifications (1 of 4 stars). 4 submissions from 4 submitters: Uncertain significance (1); Likely benign (3). Last evaluated 2025-07-23.

Conditions:
Episodic kinesigenic dyskinesia (EKD). Also called: Paroxysmal kinesigenic dyskinesia. Identifiers: Orphanet 98809, MedGen C1868682, MONDO:0044202.
Inborn genetic diseases. Identifiers: MedGen C0950123, MeSH D030342.

Allele frequency attached by ClinVar (database versions not stated): gnomAD exomes 0.00002 and 0.00005; gnomAD 0.00003 and 0.00004; TOPMed 0.00003; ExAC 0.00003.
gnomAD v4.1: 79 of 1,601,306 alleles (0.0049%); highest among the groups gnomAD compares: Admixed American, 0.0068%; no homozygotes.

Submissions (4):

Athena Diagnostics
Classification: Uncertain significance. Last evaluated: 2025-07-23. Review status: criteria provided, single submitter. Criteria: Athena Diagnostics Criteria. Collection method: clinical testing. Allele origin: unknown.
Comment: Available data are insufficient to determine the clinical significance of the variant at this time. The frequency of this variant in the general population is uninformative in assessment of its pathogenicity. Polyphen and MutationTaster predict this amino acid change may be benign.

Ambry Genetics
Classification: Likely benign for Inborn genetic diseases. Last evaluated: 2025-06-03. Review status: criteria provided, single submitter. Criteria: Ambry Variant Classification Scheme 2023. Collection method: clinical testing. Allele origin: germline.

Labcorp Genetics (formerly Invitae), Labcorp
Classification: Likely benign for Episodic kinesigenic dyskinesia. Last evaluated: 2023-12-01. Review status: criteria provided, single submitter. Criteria: Invitae Variant Classification Sherloc (09022015). Collection method: clinical testing. Allele origin: germline.

GeneDx
Classification: Likely benign. Last evaluated: 2020-04-24. Review status: criteria provided, single submitter. Criteria: GeneDx Variant Classification Process June 2021. Collection method: clinical testing. Allele origin: germline. Affected: yes.

Literature cited by the submitters: PubMed 31440721 (cited by Athena Diagnostics); PubMed 35947370 (cited by Athena Diagnostics); PubMed 36413997 (cited by Ambry Genetics).

NM_145239.3(PRRT2):c.719G>A (p.Arg240Gln)

Genes: MVP-DT (MVP divergent transcript; minus strand), PRRT2 (proline rich transmembrane protein 2; plus strand). Cytogenetic location: 16p11.2.
Variant type: single nucleotide variant.
Coding change: c.719G>A on transcript NM_145239.3 (MANE Select); coding-DNA position 719, G replaced by A.
Protein change: p.Arg240Gln; replaces arginine 240 with glutamine.
Molecular consequence: missense variant.
Genome position (GRCh38, 1-based): chr16:29,813,773, G>A. VCF-style: chr16-29813773-G-A. GRCh37 (hg19) VCF-style: chr16-29825094-G-A.
Other names: c.719G>A, p.Arg240Gln (NM_001256442.2, NM_001256443.2); short protein forms R240Q.
Identifiers: ClinVar variation 241953 (VCV000241953.14), dbSNP rs758246761, ClinGen allele CA7994575.